The following is an entry in ClinVar:

ClinVar aggregate classification (germline): Uncertain significance. Review status: criteria provided, multiple submitters, no conflicts (2 of 4 stars). 2 submissions from 2 submitters: Uncertain significance (2). Last evaluated 2025-04-02.

Allele frequency attached by ClinVar (database versions not stated): ExAC 0.00001; gnomAD 0.00001.
gnomAD v4.1: 4 of 1,614,078 alleles (0.00025%); highest among the groups gnomAD compares: Admixed American, 0.0067%; no homozygotes.

Submissions (2):

Ambry Genetics
Classification: Uncertain significance. Last evaluated: 2025-04-02. Review status: criteria provided, single submitter. Criteria: Ambry Variant Classification Scheme 2023. Collection method: clinical testing. Allele origin: germline.

Labcorp Genetics (formerly Invitae), Labcorp
Classification: Uncertain significance. Last evaluated: 2022-10-23. Review status: criteria provided, single submitter. Criteria: Invitae Variant Classification Sherloc (09022015). Collection method: clinical testing. Allele origin: germline.
Comment: This sequence change replaces arginine, which is basic and polar, with proline, which is neutral and non-polar, at codon 683 of the ERBB2 protein (p.Arg683Pro). This variant is present in population databases (rs765387989, gnomAD 0.009%). This variant has not been reported in the literature in individuals affected with ERBB2-related conditions. Advanced modeling of protein sequence and biophysical properties (such as structural, functional, and spatial information, amino acid conservation, physicochemical variation, residue mobility, and thermodynamic stability) performed at Invitae indicates that this missense variant is not expected to disrupt ERBB2 protein function. In summary, the available evidence is currently insufficient to determine the role of this variant in disease. Therefore, it has been classified as a Variant of Uncertain Significance.

NM_004448.4(ERBB2):c.2048G>C (p.Arg683Pro)

Gene: ERBB2 (erb-b2 receptor tyrosine kinase 2; plus strand). Cytogenetic location: 17q12.
Variant type: single nucleotide variant.
Coding change: c.2048G>C on transcript NM_004448.4 (MANE Select); coding-DNA position 2048, G replaced by C.
Protein change: p.Arg683Pro; replaces arginine 683 with proline.
Molecular consequence: missense variant. On other transcripts: non-coding transcript variant (1), intron variant (1).
Genome position (GRCh38, 1-based): chr17:39,723,420, G>C. VCF-style: chr17-39723420-G-C. GRCh37 (hg19) VCF-style: chr17-37879673-G-C.
Other names: c.1958G>C, p.Arg653Pro (NM_001005862.3, NM_001382782.1, NM_001382783.1); c.2003G>C, p.Arg668Pro (NM_001289936.2); c.2048G>C, p.Arg683Pro (NM_001289937.2, NM_001382792.1, NM_001382793.1 and 7 more transcripts); c.2165G>C, p.Arg722Pro (NM_001382784.1, NM_001382786.1); c.2150G>C, p.Arg717Pro (NM_001382785.1); c.2123G>C, p.Arg708Pro (NM_001382787.1); c.2078G>C, p.Arg693Pro (NM_001382788.1); c.2069G>C, p.Arg690Pro (NM_001382789.1); and 8 more; short protein forms R407P, R597P, R623P, R653P, R667P, R668P, R680P, R682P.
Identifiers: ClinVar variation 2418763 (VCV002418763.7), dbSNP rs765387989, ClinGen allele CA8534199.